The following is an entry in ClinVar:

NM_005732.4(RAD50):c.1070C>G (p.Ala357Gly)

Gene: RAD50 (RAD50 double strand break repair protein; plus strand). Cytogenetic location: 5q31.1.
Variant type: single nucleotide variant.
Coding change: c.1070C>G on transcript NM_005732.4 (MANE Select); coding-DNA position 1070, C replaced by G.
Protein change: p.Ala357Gly; replaces alanine 357 with glycine.
Molecular consequence: missense variant.
Genome position (GRCh38, 1-based): chr5:132,588,705, C>G. VCF-style: chr5-132588705-C-G. GRCh37 (hg19) VCF-style: chr5-131924397-C-G.
Other names: short protein forms A357G.
Identifiers: ClinVar variation 1783254 (VCV001783254.2), dbSNP rs2149841041, ClinGen allele CA360942057.

ClinVar aggregate classification (germline): Uncertain significance (1 of 4 stars; one submission).

Conditions:
Hereditary cancer-predisposing syndrome. Also called: Neoplastic Syndromes, Hereditary; Tumor predisposition; Hereditary Cancer Syndrome; Hereditary neoplastic syndrome. Identifiers: Orphanet 140162, MedGen C0027672, MeSH D009386, MONDO:0015356.

Submission:

Ambry Genetics
Classification: Uncertain significance for Hereditary cancer-predisposing syndrome. Last evaluated: 2021-10-17. Review status: criteria provided, single submitter. Criteria: Ambry Variant Classification Scheme 2023. Collection method: clinical testing. Allele origin: germline.
Comment: The p.A357G variant (also known as c.1070C>G), located in coding exon 8 of the RAD50 gene, results from a C to G substitution at nucleotide position 1070. The alanine at codon 357 is replaced by glycine, an amino acid with similar properties. This amino acid position is conserved. In addition, this alteration is predicted to be tolerated by in silico analysis. Since supporting evidence is limited at this time, the clinical significance of this alteration remains unclear.